The following is an entry in ClinVar:

ClinVar aggregate classification (germline): Likely benign (1 of 4 stars; one submission).

Submission:

GeneDx
Classification: Likely benign. Last evaluated: 2017-12-19. Review status: criteria provided, single submitter. Criteria: GeneDx Variant Classification (06012015). Collection method: clinical testing. Allele origin: germline. Affected: yes.
Comment: This variant is considered likely benign or benign based on one or more of the following criteria: it is a conservative change, it occurs at a poorly conserved position in the protein, it is predicted to be benign by multiple in silico algorithms, and/or has population frequency not consistent with disease.

NM_001184.4(ATR):c.-29_-9delinsT

Gene: ATR (ATR checkpoint kinase; minus strand). Cytogenetic location: 3q23.
Variant type: Indel.
Coding change: c.-29_-9delinsT on transcript NM_001184.4 (MANE Select); 29 bases upstream of the start codon through 9 bases upstream of the start codon, GTGGTTGACTAGTGCCTCGCA replaced by T.
Molecular consequence: 5 prime UTR variant.
Genome position (GRCh38, 1-based): chr3:142,578,713-142,578,733, TGCGAGGCACTAGTCAACCAC replaced by A on the plus strand (GTGGTTGACTAGTGCCTCGCA replaced by T on the coding strand, the reverse complement: ATR is on the minus strand). VCF-style: chr3-142578713-TGCGAGGCACTAGTCAACCAC-A. GRCh37 (hg19) VCF-style: chr3-142297555-TGCGAGGCACTAGTCAACCAC-A.
Other names: c.-29_-9delinsT (NM_001354579.2).
Identifiers: ClinVar variation 343631 (VCV000343631.5), dbSNP rs1577732214, ClinGen allele CA915941612.